The following is an entry in ClinVar:

NM_000525.4(KCNJ11):c.37G>A (p.Val13Met)

Gene: KCNJ11 (potassium inwardly rectifying channel subfamily J member 11; minus strand). Cytogenetic location: 11p15.1.
Variant type: single nucleotide variant.
Coding change: c.37G>A on transcript NM_000525.4 (MANE Select); coding-DNA position 37, G replaced by A.
Protein change: p.Val13Met; replaces valine 13 with methionine.
Molecular consequence: missense variant. On other transcripts: 5 prime UTR variant (1), intron variant (2).
Genome position (GRCh38, 1-based): chr11:17,388,055, C>T on the plus strand (G>A on the coding strand, the complement: KCNJ11 is on the minus strand). VCF-style: chr11-17388055-C-T. GRCh37 (hg19) VCF-style: chr11-17409602-C-T.
Other names: c.37G>A (NM_000525.3); c.-54G>A (NM_001377296.1); c.-16-209G>A (NM_001166290.2, NM_001377297.1); short protein forms V13M.
Identifiers: ClinVar variation 1535122 (VCV001535122.10), dbSNP rs139079635, ClinGen allele CA5902345.

ClinVar aggregate classification (germline): Conflicting classifications of pathogenicity. Review status: criteria provided, conflicting classifications (1 of 4 stars). 4 submissions from 4 submitters: Uncertain significance (3); Likely benign (1). Last evaluated 2026-01-27.

Conditions:
Inborn genetic diseases. Identifiers: MedGen C0950123, MeSH D030342.

Allele frequency attached by ClinVar (database versions not stated): 1000 Genomes Project 30x 0.00016; 1000 Genomes Project 0.00020; gnomAD exomes 0.00026 and 0.00028; ExAC 0.00030; TOPMed 0.00031; gnomAD 0.00034 and 0.00037; ESP Exome Variant Server 0.00039.

Submissions (4):

Labcorp Genetics (formerly Invitae), Labcorp
Classification: Likely benign. Last evaluated: 2026-01-27. Review status: criteria provided, single submitter. Criteria: Invitae Variant Classification Sherloc (09022015). Collection method: clinical testing. Allele origin: germline.

Blueprint Genetics
Classification: Uncertain significance. Last evaluated: 2024-01-29. Review status: criteria provided, single submitter. Criteria: ACMG Guidelines, 2015. Collection method: clinical testing. Allele origin: germline.

Women's Health and Genetics/Laboratory Corporation of America, LabCorp
Classification: Uncertain significance. Last evaluated: 2023-05-16. Review status: criteria provided, single submitter. Criteria: LabCorp Variant Classification Summary - May 2015. Collection method: clinical testing. Allele origin: germline.
Comment: Variant summary: KCNJ11 c.37G>A (p.Val13Met) results in a conservative amino acid change in the encoded protein sequence. Five of five in-silico tools predict a benign effect of the variant on protein function. The variant allele was found at a frequency of 0.00033 in 281036 control chromosomes in the gnomAD database, including 1 homozygote. This frequency is not significantly higher than estimated for a pathogenic variant in KCNJ11 causing Congenital Hyperinsulinism (0.00033 vs 0.0011), allowing no conclusion about variant significance. c.37G>A has been reported in the literature in individuals affected with obesity (Foucan_2018). This report does not provide unequivocal conclusions about association of the variant with Congenital Hyperinsulinism. To our knowledge, no experimental evidence demonstrating an impact on protein function has been reported. The following publications have been ascertained in the context of this evaluation (PMID: 32041611, 29216354, 23275527). Two ClinVar submitters have assessed the variant since 2014: one classified the variant as uncertain significance, and one as likely benign. Based on the evidence outlined above, the variant was classified as uncertain significance.

Ambry Genetics
Classification: Uncertain significance for Inborn genetic diseases. Last evaluated: 2021-07-13. Review status: criteria provided, single submitter. Criteria: Ambry Variant Classification Scheme 2023. Collection method: clinical testing. Allele origin: germline.

Literature cited by the submitters: PubMed 23275527 (cited by Women's Health and Genetics/Laboratory Corporation of America, LabCorp); PubMed 32041611 (cited by Women's Health and Genetics/Laboratory Corporation of America, LabCorp); PubMed 29216354 (cited by Women's Health and Genetics/Laboratory Corporation of America, LabCorp).